The following is an entry in ClinVar:

NM_001292034.3(TAB2):c.1616A>G (p.His539Arg)

Gene: TAB2 (TGF-beta activated kinase 1 (MAP3K7) binding protein 2; plus strand). Cytogenetic location: 6q25.1.
Variant type: single nucleotide variant.
Coding change: c.1616A>G on transcript NM_001292034.3 (MANE Select); coding-DNA position 1616, A replaced by G.
Protein change: p.His539Arg; replaces histidine 539 with arginine.
Molecular consequence: missense variant.
Genome position (GRCh38, 1-based): chr6:149,397,616, A>G. VCF-style: chr6-149397616-A-G. GRCh37 (hg19) VCF-style: chr6-149718752-A-G.
Other names: c.1520A>G, p.His507Arg (NM_001292035.3); c.1616A>G, p.His539Arg (NM_001369506.1, NM_015093.6); short protein forms H539R, H507R.
Identifiers: ClinVar variation 1520922 (VCV001520922.1), dbSNP rs2114941537, ClinGen allele CA366003575.

ClinVar aggregate classification (germline): Uncertain significance (1 of 4 stars; one submission).

Submission:

Labcorp Genetics (formerly Invitae), Labcorp
Classification: Uncertain significance. Last evaluated: 2021-09-09. Review status: criteria provided, single submitter. Criteria: Invitae Variant Classification Sherloc (09022015). Collection method: clinical testing. Allele origin: germline.
Comment: This sequence change replaces histidine with arginine at codon 539 of the TAB2 protein (p.His539Arg). The histidine residue is highly conserved and there is a small physicochemical difference between histidine and arginine. This variant is not present in population databases (ExAC no frequency). This variant has not been reported in the literature in individuals affected with TAB2-related conditions. Algorithms developed to predict the effect of missense changes on protein structure and function (SIFT, PolyPhen-2, Align-GVGD) all suggest that this variant is likely to be disruptive. Algorithms developed to predict the effect of sequence changes on RNA splicing suggest that this variant may create or strengthen a splice site. In summary, the available evidence is currently insufficient to determine the role of this variant in disease. Therefore, it has been classified as a Variant of Uncertain Significance.